The following is an entry in ClinVar:

ClinVar aggregate classification (germline): Uncertain significance (1 of 4 stars; one submission).

Conditions:
Emery-Dreifuss muscular dystrophy 5, autosomal dominant (EDMD5). Also called: EMERY-DREIFUSS MUSCULAR DYSTROPHY 5. Identifiers: Orphanet 261, MedGen C2751805, MONDO:0013072, OMIM 612999.

Submission:

Labcorp Genetics (formerly Invitae), Labcorp
Classification: Uncertain significance for Emery-Dreifuss muscular dystrophy 5, autosomal dominant. Last evaluated: 2025-06-19. Review status: criteria provided, single submitter. Criteria: Invitae Variant Classification Sherloc (09022015). Collection method: clinical testing. Allele origin: germline.
Comment: This sequence change replaces serine, which is neutral and polar, with proline, which is neutral and non-polar, at codon 411 of the SYNE2 protein (p.Ser411Pro). This variant is not present in population databases (gnomAD no frequency). This variant has not been reported in the literature in individuals affected with SYNE2-related conditions. An algorithm developed to predict the effect of missense changes on protein structure and function outputs the following: PolyPhen-2: "Benign". The proline amino acid residue is found in multiple mammalian species, which suggests that this missense change does not adversely affect protein function. In summary, the available evidence is currently insufficient to determine the role of this variant in disease. Therefore, it has been classified as a Variant of Uncertain Significance.

NM_182914.3(SYNE2):c.1231T>C (p.Ser411Pro)

Gene: SYNE2 (spectrin repeat containing nuclear envelope protein 2; plus strand). Cytogenetic location: 14q23.2.
Variant type: single nucleotide variant.
Coding change: c.1231T>C on transcript NM_182914.3 (MANE Select); coding-DNA position 1231, T replaced by C.
Protein change: p.Ser411Pro; replaces serine 411 with proline.
Molecular consequence: missense variant.
Genome position (GRCh38, 1-based): chr14:63,976,665, T>C. VCF-style: chr14-63976665-T-C. GRCh37 (hg19) VCF-style: chr14-64443383-T-C.
Other names: c.1231T>C, p.Ser411Pro (NM_015180.6); short protein forms S411P.
Identifiers: ClinVar variation 4721735 (VCV004721735.1).